The following is an entry in ClinVar:

NM_025243.4(SLC19A3):c.500T>A (p.Met167Lys)

Gene: SLC19A3 (solute carrier family 19 member 3; minus strand). Cytogenetic location: 2q36.3.
Variant type: single nucleotide variant.
Coding change: c.500T>A on transcript NM_025243.4 (MANE Select); coding-DNA position 500, T replaced by A.
Protein change: p.Met167Lys; replaces methionine 167 with lysine.
Molecular consequence: missense variant.
Genome position (GRCh38, 1-based): chr2:227,699,215, A>T on the plus strand (T>A on the coding strand, the complement: SLC19A3 is on the minus strand). VCF-style: chr2-227699215-A-T. GRCh37 (hg19) VCF-style: chr2-228563931-A-T.
Other names: c.500T>A, p.Met167Lys (NM_001371411.1, NM_001371412.1); c.488T>A, p.Met163Lys (NM_001371413.1, NM_001371414.1); short protein forms M163K, M167K.
Identifiers: ClinVar variation 1304222 (VCV001304222.2), dbSNP rs376414109, ClinGen allele CA2149285.

ClinVar aggregate classification (germline): Uncertain significance (1 of 4 stars; one submission).

Allele frequency attached by ClinVar (database versions not stated): ExAC 0.00001; gnomAD exomes 0.00001 and 0.00005; TOPMed 0.00002; gnomAD 0.00003; ESP Exome Variant Server 0.00008.

Submission:

GeneDx
Classification: Uncertain significance. Last evaluated: 2019-05-24. Review status: criteria provided, single submitter. Criteria: GeneDx Variant Classification Process June 2021. Collection method: clinical testing. Allele origin: germline. Affected: yes.
Comment: Not observed at a significant frequency in large population cohorts (Lek et al., 2016); In silico analysis, which includes protein predictors and evolutionary conservation, supports a deleterious effect; Has not been previously published as pathogenic or benign to our knowledge